The following is an entry in ClinVar:

NM_003803.4(MYOM1):c.1473del (p.Glu491fs)

Gene: MYOM1 (myomesin 1; minus strand). Cytogenetic location: 18p11.31.
Variant type: Deletion.
Coding change: c.1473del on transcript NM_003803.4 (MANE Select); coding-DNA position 1473, one base deleted (A; older notation c.1473delA).
Protein change: p.Glu491fs; shifts the reading frame from glutamic acid 491.
Molecular consequence: frameshift variant.
Genome position (GRCh38, 1-based): chr18:3,164,306, T deleted on the plus strand (A on the coding strand, the reverse complement: MYOM1 is on the minus strand); the first of 2 consecutive T bases (chr18:3,164,306-3,164,307); deleting either gives the same sequence. VCF-style (leftmost placement, unchanged base first): chr18-3164305-GT-G. GRCh37 (hg19) VCF-style: chr18-3164303-GT-G.
Other names: c.1473del, p.Glu491fs (NM_019856.2); short protein forms E491fs.
Identifiers: ClinVar variation 949232 (VCV000949232.7), dbSNP rs2080437915, ClinGen allele CA1139665952.

ClinVar aggregate classification (germline): Uncertain significance (1 of 4 stars; one submission).

Conditions:
Hypertrophic cardiomyopathy. Also called: HYPERTROPHIC MYOCARDIOPATHY. Identifiers: Orphanet 217569, MedGen C0007194, MeSH D002312, MONDO:0005045, HP:0001639.

Submission:

Labcorp Genetics (formerly Invitae), Labcorp
Classification: Uncertain significance for Hypertrophic cardiomyopathy. Last evaluated: 2024-08-07. Review status: criteria provided, single submitter. Criteria: Invitae Variant Classification Sherloc (09022015). Collection method: clinical testing. Allele origin: germline.
Comment: This sequence change creates a premature translational stop signal (p.Glu491Aspfs*26) in the MYOM1 gene. It is expected to result in an absent or disrupted protein product. However, the current clinical and genetic evidence is not sufficient to establish whether loss-of-function variants in MYOM1 cause disease. This variant is not present in population databases (gnomAD no frequency). This variant has not been reported in the literature in individuals affected with MYOM1-related conditions. ClinVar contains an entry for this variant (Variation ID: 949232). In summary, the available evidence is currently insufficient to determine the role of this variant in disease. Therefore, it has been classified as a Variant of Uncertain Significance.